The following is an entry in ClinVar:

ClinVar aggregate classification (germline): Uncertain significance (1 of 4 stars; one submission).

gnomAD v4.1: 1 of 1,614,128 alleles (0.000062%); highest among the groups gnomAD compares: Non-Finnish European, 0.000085%; no homozygotes.

Submission:

GeneDx
Classification: Uncertain significance. Last evaluated: 2026-02-15. Review status: criteria provided, single submitter. Criteria: GeneDx Variant Classification Process June 2021. Collection method: clinical testing. Allele origin: germline.
Comment: Not observed at significant frequency in large population cohorts (gnomAD); In silico analysis supports that this missense variant has a deleterious effect on protein structure/function; Has not been previously published as pathogenic or benign to our knowledge

NM_000384.3(APOB):c.8418T>G (p.Phe2806Leu)

Gene: APOB (apolipoprotein B; minus strand). Cytogenetic location: 2p24.1.
Variant type: single nucleotide variant.
Coding change: c.8418T>G on transcript NM_000384.3 (MANE Select); coding-DNA position 8418, T replaced by G.
Protein change: p.Phe2806Leu; replaces phenylalanine 2806 with leucine.
Molecular consequence: missense variant.
Genome position (GRCh38, 1-based): chr2:21,008,450, A>C on the plus strand (T>G on the coding strand, the complement: APOB is on the minus strand). VCF-style: chr2-21008450-A-C. GRCh37 (hg19) VCF-style: chr2-21231322-A-C.
Other names: short protein forms F2806L.
Identifiers: ClinVar variation 5009433 (VCV005009433.1).